The following is an entry in ClinVar:

ClinVar aggregate classification (germline): Uncertain significance (1 of 4 stars; one submission).

Submission:

GeneDx
Classification: Uncertain significance. Last evaluated: 2022-09-12. Review status: criteria provided, single submitter. Criteria: GeneDx Variant Classification Process June 2021. Collection method: clinical testing. Allele origin: germline. Affected: yes.
Comment: Not observed at significant frequency in large population cohorts (gnomAD); In silico analysis supports that this missense variant does not alter protein structure/function; Has not been previously published as pathogenic or benign to our knowledge

NM_005334.3(HCFC1):c.3752A>G (p.Glu1251Gly)

Gene: HCFC1 (host cell factor C1; minus strand). Cytogenetic location: Xq28.
Variant type: single nucleotide variant.
Coding change: c.3752A>G on transcript NM_005334.3 (MANE Select); coding-DNA position 3752, A replaced by G.
Protein change: p.Glu1251Gly; replaces glutamic acid 1251 with glycine.
Molecular consequence: missense variant.
Genome position (GRCh38, 1-based): chrX:153,954,647, T>C on the plus strand (A>G on the coding strand, the complement: HCFC1 is on the minus strand). VCF-style: chrX-153954647-T-C. GRCh37 (hg19) VCF-style: chrX-153220098-T-C.
Other names: c.3752A>G, p.Glu1251Gly (NM_001410705.1); short protein forms E1251G.
Identifiers: ClinVar variation 2443395 (VCV002443395.1), dbSNP rs2521546037, ClinGen allele CA415119571.